The following is an entry in ClinVar:

NM_153717.3(EVC):c.2497A>G (p.Asn833Asp)

Gene: EVC (EvC ciliary complex subunit 1; plus strand). Cytogenetic location: 4p16.2.
Variant type: single nucleotide variant.
Coding change: c.2497A>G on transcript NM_153717.3 (MANE Select); coding-DNA position 2497, A replaced by G.
Protein change: p.Asn833Asp; replaces asparagine 833 with aspartic acid.
Molecular consequence: missense variant.
Genome position (GRCh38, 1-based): chr4:5,804,777, A>G. VCF-style: chr4-5804777-A-G. GRCh37 (hg19) VCF-style: chr4-5806504-A-G.
Other names: c.2497A>G (NM_153717.2); c.2497A>G, p.Asn833Asp (NM_001306090.2); short protein forms N833D.
Identifiers: ClinVar variation 2198985 (VCV002198985.2), dbSNP rs754135892, ClinGen allele CA2836547.
Genomic context (GRCh38, chr4:5,804,777, plus strand): 5'-TTAAATGGTCTAGGTGAGAGGATGGAAAATTACAAACTGCGGAAAAAGCAAGAACTCAGC[A>G]ACCCTTCGTCGGGCAGCAGGACGGCAGGTGGCGCTCATGAGACCTCCCAGGCGGTCCACC-3'
Protein context (NP_714928.1, residues 823-843): YKLRKKQELS[Asn833Asp]PSSGSRTAGG

ClinVar aggregate classification (germline): Conflicting classifications of pathogenicity. Review status: criteria provided, conflicting classifications (1 of 4 stars). 2 submissions from 2 submitters: Uncertain significance (1); Likely benign (1). Last evaluated 2025-01-24.

Conditions:
Inborn genetic diseases. Identifiers: MedGen C0950123, MeSH D030342.
Curry-Hall syndrome (WAD). Also called: WEYERS ACRODENTAL DYSOSTOSIS. Identifiers: Orphanet 952, MedGen C0457013, MONDO:0008673, OMIM 193530.
Ellis-van Creveld syndrome (EVC). Also called: MESOECTODERMAL DYSPLASIA; EVC-Related Ellis-van Creveld Syndrome; EVC2-Related Ellis-van Creveld Syndrome; Chondroectodermal dysplasia. Identifiers: Orphanet 289, MedGen C0013903, MONDO:0009162, OMIM 225500.

Allele frequency attached by ClinVar (database versions not stated): gnomAD exomes 0.00001; ExAC 0.00002.
gnomAD v4.1: 8 of 1,614,146 alleles (0.0005%); highest among the groups gnomAD compares: Admixed American, 0.013%; no homozygotes.

Submissions (2):

Ambry Genetics
Classification: Likely benign for Inborn genetic diseases. Last evaluated: 2025-01-24. Review status: criteria provided, single submitter. Criteria: Ambry Variant Classification Scheme 2023. Collection method: clinical testing. Allele origin: germline.

Labcorp Genetics (formerly Invitae), Labcorp
Classification: Uncertain significance for Curry-Hall syndrome; Ellis-van Creveld syndrome. Last evaluated: 2022-08-16. Review status: criteria provided, single submitter. Criteria: Invitae Variant Classification Sherloc (09022015). Collection method: clinical testing. Allele origin: germline.
Comment: This sequence change replaces asparagine, which is neutral and polar, with aspartic acid, which is acidic and polar, at codon 833 of the EVC protein (p.Asn833Asp). This variant is present in population databases (rs754135892, gnomAD 0.02%). This variant has not been reported in the literature in individuals affected with EVC-related conditions. Algorithms developed to predict the effect of missense changes on protein structure and function output the following: SIFT: "Tolerated"; PolyPhen-2: "Benign"; Align-GVGD: "Class C0". The aspartic acid amino acid residue is found in multiple mammalian species, which suggests that this missense change does not adversely affect protein function. In summary, the available evidence is currently insufficient to determine the role of this variant in disease. Therefore, it has been classified as a Variant of Uncertain Significance.